The following is an entry in ClinVar:

ClinVar aggregate classification (germline): Uncertain significance (1 of 4 stars; one submission).

Conditions:
Renal carnitine transport defect (CDSP). Also called: Systemic primary carnitine deficiency; Systemic primary carnitine deficiency disease; CARNITINE DEFICIENCY, SYSTEMIC, DUE TO DEFECT IN RENAL REABSORPTION OF CARNITINE; CARNITINE TRANSPORTER, PLASMA-MEMBRANE, DEFICIENCY OF; CARNITINE UPTAKE DEFECT; Carnitine Deficiency, Systemic. Identifiers: Orphanet 158, MedGen C0342788, MONDO:0008919, OMIM 212140.

Allele frequency attached by ClinVar (database versions not stated): gnomAD 0.00001; TOPMed 0.00001.
gnomAD v4.1: 2 of 1,613,938 alleles (0.00012%); highest among the groups gnomAD compares: African/African-American, 0.0027%; no homozygotes.

Submission:

Labcorp Genetics (formerly Invitae), Labcorp
Classification: Uncertain significance for Renal carnitine transport defect. Last evaluated: 2021-08-27. Review status: criteria provided, single submitter. Criteria: Invitae Variant Classification Sherloc (09022015). Collection method: clinical testing. Allele origin: germline.
Comment: This sequence change replaces tyrosine with serine at codon 358 of the SLC22A5 protein (p.Tyr358Ser). The tyrosine residue is highly conserved and there is a large physicochemical difference between tyrosine and serine. This variant is not present in population databases (ExAC no frequency). This variant has not been reported in the literature in individuals affected with SLC22A5-related conditions. Algorithms developed to predict the effect of missense changes on protein structure and function are either unavailable or do not agree on the potential impact of this missense change (SIFT: "Tolerated"; PolyPhen-2: "Probably Damaging"; Align-GVGD: "Class C15"). In summary, the available evidence is currently insufficient to determine the role of this variant in disease. Therefore, it has been classified as a Variant of Uncertain Significance.

NM_003060.4(SLC22A5):c.1073A>C (p.Tyr358Ser)

Gene: SLC22A5 (solute carrier family 22 member 5; plus strand). Cytogenetic location: 5q31.1.
Variant type: single nucleotide variant.
Coding change: c.1073A>C on transcript NM_003060.4 (MANE Select); coding-DNA position 1073, A replaced by C.
Protein change: p.Tyr358Ser; replaces tyrosine 358 with serine.
Molecular consequence: missense variant.
Genome position (GRCh38, 1-based): chr5:132,390,710, A>C. VCF-style: chr5-132390710-A-C. GRCh37 (hg19) VCF-style: chr5-131726402-A-C.
Other names: c.1145A>C, p.Tyr382Ser (NM_001308122.2); short protein forms Y358S, Y382S.
Identifiers: ClinVar variation 845672 (VCV000845672.7), dbSNP rs1266953756, ClinGen allele CA360807438.